The following is an entry in ClinVar:

NM_004004.6(GJB2):c.569T>A (p.Val190Asp)

Gene: GJB2 (gap junction protein beta 2; minus strand). Cytogenetic location: 13q12.11.
Variant type: single nucleotide variant.
Coding change: c.569T>A on transcript NM_004004.6 (MANE Select); coding-DNA position 569, T replaced by A.
Protein change: p.Val190Asp; replaces valine 190 with aspartic acid.
Molecular consequence: missense variant.
Genome position (GRCh38, 1-based): chr13:20,189,013, A>T on the plus strand (T>A on the coding strand, the complement: GJB2 is on the minus strand). VCF-style: chr13-20189013-A-T. GRCh37 (hg19) VCF-style: chr13-20763152-A-T.
Other names: short protein forms V190D.
Identifiers: ClinVar variation 978418 (VCV000978418.2), dbSNP rs1959056079, ClinGen allele CA387460879.

ClinVar aggregate classification (germline): Uncertain significance (1 of 4 stars; one submission).

Conditions:
Nonsyndromic genetic hearing loss. Also called: Non-syndromic genetic deafness; Nonsyndromic hearing loss and deafness; Nonsyndromic genetic deafness. Identifiers: Orphanet 87884, MedGen C5680182, MONDO:0019497.

Allele frequency attached by ClinVar (database versions not stated): gnomAD exomes below 0.00001.

Submission:

INGEBI, INGEBI / CONICET
Classification: Uncertain significance for Nonsyndromic hearing loss and deafness. Last evaluated: 2020-08-31. Review status: criteria provided, single submitter. Criteria: ClinGen HL ACMG Specifications v1. Collection method: clinical testing. Allele origin: germline. Affected: yes. Observed: 1 variant allele, 1 compound heterozygote.
Comment: Based on ACMG/AMP guidelines and Hearing Loss Expert Panel specific criteria: the c.569T>A, p.(Val190Asp) variant in GJB2 gene is absent from population database gnomAD, GO-ESP, 1000 genomes) meeting PM2 criteria. It has been identified in trans with c.35delG variant in a patient with profound hearing loss (PMID: 24158611) meeting PM3 rule. Computational evidence predicted a pathogenic effect of the mutation (REVELscore: 0.970) applying to PP3 criteria. Therefore, the clinical significance of this variant is currently uncertain: (PM2, PM3 and PP3).

Literature cited by the submitters: PubMed 24158611.